The following is an entry in ClinVar:

NM_000751.3(CHRND):c.736C>T (p.Pro246Ser)

Gene: CHRND (cholinergic receptor nicotinic delta subunit; plus strand). Cytogenetic location: 2q37.1.
Variant type: single nucleotide variant.
Coding change: c.736C>T on transcript NM_000751.3 (MANE Select); coding-DNA position 736, C replaced by T.
Protein change: p.Pro246Ser; replaces proline 246 with serine.
Molecular consequence: missense variant. On other transcripts: intron variant (1).
Genome position (GRCh38, 1-based): chr2:232,530,055, C>T. VCF-style: chr2-232530055-C-T. GRCh37 (hg19) VCF-style: chr2-233394765-C-T.
Other names: c.691C>T, p.Pro231Ser (NM_001256657.2); c.433C>T, p.Pro145Ser (NM_001311196.2); c.239-1297C>T (NM_001311195.2); short protein forms P231S, P145S, P246S.
Identifiers: ClinVar variation 1966977 (VCV001966977.5), dbSNP rs2469723734, ClinGen allele CA351000900.

ClinVar aggregate classification (germline): Uncertain significance (1 of 4 stars; one submission).

Conditions:
Lethal multiple pterygium syndrome (LMPS). Identifiers: Orphanet 33108, MedGen C1854678, MONDO:0009668, OMIM 253290.

Submission:

Labcorp Genetics (formerly Invitae), Labcorp
Classification: Uncertain significance for Lethal multiple pterygium syndrome. Last evaluated: 2024-05-06. Review status: criteria provided, single submitter. Criteria: Invitae Variant Classification Sherloc (09022015). Collection method: clinical testing. Allele origin: germline.
Comment: This sequence change replaces proline, which is neutral and non-polar, with serine, which is neutral and polar, at codon 246 of the CHRND protein (p.Pro246Ser). This variant is not present in population databases (gnomAD no frequency). This variant has not been reported in the literature in individuals affected with CHRND-related conditions. ClinVar contains an entry for this variant (Variation ID: 1966977). Advanced modeling of protein sequence and biophysical properties (such as structural, functional, and spatial information, amino acid conservation, physicochemical variation, residue mobility, and thermodynamic stability) performed at Invitae indicates that this missense variant is not expected to disrupt CHRND protein function with a negative predictive value of 80%. In summary, the available evidence is currently insufficient to determine the role of this variant in disease. Therefore, it has been classified as a Variant of Uncertain Significance.